The following is an entry in ClinVar:

NM_004333.6(BRAF):c.1621C>T (p.Leu541Phe)

Gene: BRAF (B-Raf proto-oncogene, serine/threonine kinase; minus strand). Cytogenetic location: 7q34.
Variant type: single nucleotide variant.
Coding change: c.1621C>T on transcript NM_004333.6 (MANE Select); coding-DNA position 1621, C replaced by T.
Protein change: p.Leu541Phe; replaces leucine 541 with phenylalanine.
Molecular consequence: missense variant.
Genome position (GRCh38, 1-based): chr7:140,776,985, G>A on the plus strand (C>T on the coding strand, the complement: BRAF is on the minus strand). VCF-style: chr7-140776985-G-A. GRCh37 (hg19) VCF-style: chr7-140476785-G-A.
Other names: c.1621C>T, p.Leu541Phe (NM_001354609.2, NM_001378468.1, NM_001378474.1); c.1741C>T, p.Leu581Phe (NM_001374244.1, NM_001374258.1); c.1630C>T, p.Leu544Phe (NM_001378467.1); c.1555C>T, p.Leu519Phe (NM_001378469.1); c.1519C>T, p.Leu507Phe (NM_001378470.1); c.1510C>T, p.Leu504Phe (NM_001378471.1); c.1465C>T, p.Leu489Phe (NM_001378472.1, NM_001378473.1); c.1357C>T, p.Leu453Phe (NM_001378475.1); short protein forms L489F, L519F, L453F, L507F, L504F, L544F, L541F, L581F.
Identifiers: ClinVar variation 864012 (VCV000864012.9), dbSNP rs1800393052, ClinGen allele CA369588073.

ClinVar aggregate classification (germline): Uncertain significance (1 of 4 stars; one submission).

Conditions:
RASopathy. Also called: rasopathies; Noonan spectrum disorder. Identifiers: Orphanet 536391, MedGen C5555857, MONDO:0021060.

Submission:

Labcorp Genetics (formerly Invitae), Labcorp
Classification: Uncertain significance for RASopathy. Last evaluated: 2019-02-11. Review status: criteria provided, single submitter. Criteria: Invitae Variant Classification Sherloc (09022015). Collection method: clinical testing. Allele origin: germline.
Comment: In summary, the available evidence is currently insufficient to determine the role of this variant in disease. Therefore, it has been classified as a Variant of Uncertain Significance. Algorithms developed to predict the effect of missense changes on protein structure and function are either unavailable or do not agree on the potential impact of this missense change (SIFT: "Deleterious"; PolyPhen-2: "Probably Damaging"; Align-GVGD: "Class C0"). This variant has not been reported in the literature in individuals with BRAF-related conditions. This variant is not present in population databases (ExAC no frequency). This sequence change replaces leucine with phenylalanine at codon 541 of the BRAF protein (p.Leu541Phe). The leucine residue is highly conserved and there is a small physicochemical difference between leucine and phenylalanine.